The following is an entry in ClinVar:

NM_144997.7(FLCN):c.1204A>G (p.Ile402Val)

Gene: FLCN (folliculin; minus strand). Cytogenetic location: 17p11.2.
Variant type: single nucleotide variant.
Coding change: c.1204A>G on transcript NM_144997.7 (MANE Select); coding-DNA position 1204, A replaced by G.
Protein change: p.Ile402Val; replaces isoleucine 402 with valine.
Molecular consequence: missense variant.
Genome position (GRCh38, 1-based): chr17:17,216,476, T>C on the plus strand (A>G on the coding strand, the complement: FLCN is on the minus strand). VCF-style: chr17-17216476-T-C. GRCh37 (hg19) VCF-style: chr17-17119790-T-C.
Other names: c.1258A>G, p.Ile420Val (NM_001353229.2); c.1204A>G, p.Ile402Val (NM_001353230.2, NM_001353231.2); short protein forms I402V, I420V.
Identifiers: ClinVar variation 1748320 (VCV001748320.8), dbSNP rs2544163928, ClinGen allele CA398531935.
Genomic context (GRCh38, chr17:17,216,476, plus strand): 5'-GGCTGAGCCCCAGGAAGTTGCACCGATAGGCCTCCTCGTACTGGCTGCTGTATGGGATGA[T>C]GCGGACGCAGCCCACGGGAAGCATGGTCTGAGGAGGACAGCAGGACTCAGACCAAGGACA-3'
Protein context (NP_659434.2, residues 392-412): RTMLPVGCVR[Ile402Val]IPYSSQYEEA

ClinVar aggregate classification (germline): Uncertain significance. Review status: criteria provided, multiple submitters, no conflicts (2 of 4 stars). 2 submissions from 2 submitters: Uncertain significance (2). Last evaluated 2025-12-21.

Conditions:
Birt-Hogg-Dube syndrome. Also called: Birt Hogg Dubé syndrome. Identifiers: Orphanet 122, MedGen C0346010, MONDO:0800444.
Hereditary cancer-predisposing syndrome. Also called: Neoplastic Syndromes, Hereditary; Tumor predisposition; Hereditary Cancer Syndrome; Hereditary neoplastic syndrome. Identifiers: Orphanet 140162, MedGen C0027672, MeSH D009386, MONDO:0015356.

Submissions (2):

Labcorp Genetics (formerly Invitae), Labcorp
Classification: Uncertain significance for Birt-Hogg-Dube syndrome. Last evaluated: 2025-12-21. Review status: criteria provided, single submitter. Criteria: Invitae Variant Classification Sherloc (09022015). Collection method: clinical testing. Allele origin: germline.
Comment: This sequence change replaces isoleucine, which is neutral and non-polar, with valine, which is neutral and non-polar, at codon 402 of the FLCN protein (p.Ile402Val). This variant is not present in population databases (gnomAD no frequency). This variant has not been reported in the literature in individuals affected with FLCN-related conditions. ClinVar contains an entry for this variant (Variation ID: 1748320). Invitae Evidence Modeling of protein sequence and biophysical properties (such as structural, functional, and spatial information, amino acid conservation, physicochemical variation, residue mobility, and thermodynamic stability) indicates that this missense variant is not expected to disrupt FLCN protein function with a negative predictive value of 80%. In summary, the available evidence is currently insufficient to determine the role of this variant in disease. Therefore, it has been classified as a Variant of Uncertain Significance.

Ambry Genetics
Classification: Uncertain significance for Hereditary cancer-predisposing syndrome. Last evaluated: 2023-06-06. Review status: criteria provided, single submitter. Criteria: Ambry Variant Classification Scheme 2023. Collection method: clinical testing. Allele origin: germline.
Comment: The p.I402V variant (also known as c.1204A>G), located in coding exon 8 of the FLCN gene, results from an A to G substitution at nucleotide position 1204. The isoleucine at codon 402 is replaced by valine, an amino acid with highly similar properties. This amino acid position is not well conserved in available vertebrate species, and valine is the reference amino acid in other vertebrate species. In addition, this alteration is predicted to be tolerated by in silico analysis. Since supporting evidence is limited at this time, the clinical significance of this alteration remains unclear.